The following is an entry in ClinVar:

ClinVar aggregate classification (germline): Uncertain significance (1 of 4 stars; one submission).

Conditions:
Multiple endocrine neoplasia, type 1 (MEN1). Also called: MEN I; WERMER SYNDROME; Endocrine adenomatosis multiple; MEN 1; MEA I. Identifiers: Orphanet 652, MedGen C0025267, MeSH D018761, MONDO:0007540, OMIM 131100.

Submission:

Labcorp Genetics (formerly Invitae), Labcorp
Classification: Uncertain significance for Multiple endocrine neoplasia, type 1. Last evaluated: 2019-08-13. Review status: criteria provided, single submitter. Criteria: Invitae Variant Classification Sherloc (09022015). Collection method: clinical testing. Allele origin: germline.
Comment: This sequence change falls in intron 2 of the MEN1 gene. It does not directly change the encoded amino acid sequence of the MEN1 protein, but it affects a nucleotide within the consensus splice site of the intron. This variant is not present in population databases (ExAC no frequency). This variant has not been reported in the literature in individuals with MEN1-related conditions. Nucleotide substitutions within the consensus splice site are a relatively common cause of aberrant splicing (PMID: 17576681, 9536098). Algorithms developed to predict the effect of sequence changes on RNA splicing suggest that this variant may disrupt the consensus splice site, but this prediction has not been confirmed by published transcriptional studies. In summary, the available evidence is currently insufficient to determine the role of this variant in disease. Therefore, it has been classified as a Variant of Uncertain Significance.

Literature cited by the submitters: PubMed 17576681; PubMed 9536098.

NM_001370259.2(MEN1):c.445+5G>A

Gene: MEN1 (menin 1; minus strand). Cytogenetic location: 11q13.1.
Variant type: single nucleotide variant.
Coding change: c.445+5G>A on transcript NM_001370259.2 (MANE Select); 5 bases into the intron after coding-DNA position 445, G replaced by A.
Molecular consequence: intron variant. On other transcripts: nonsense (6).
Genome position (GRCh38, 1-based): chr11:64,809,660, C>T on the plus strand (G>A on the coding strand, the complement: MEN1 is on the minus strand). VCF-style: chr11-64809660-C-T. GRCh37 (hg19) VCF-style: chr11-64577132-C-T.
Other names: c.450G>A, p.Trp150Ter (NM_000244.4, NM_130800.3, NM_130801.3 and 3 more transcripts); c.445+5G>A (NM_130799.3, NM_001370260.2, NM_001370251.2 and 3 more transcripts); short protein forms W150*.
Identifiers: ClinVar variation 960431 (VCV000960431.7), dbSNP rs1941974766, ClinGen allele CA381186607.